The following is an entry in ClinVar:

NM_014297.5(ETHE1):c.81+1del

Gene: ETHE1 (ETHE1 persulfide dioxygenase; minus strand). Cytogenetic location: 19q13.31.
Variant type: Deletion.
Coding change: c.81+1del on transcript NM_014297.5 (MANE Select); the canonical splice donor site of the intron after coding-DNA position 81, one base deleted (G; older notation c.81+1delG).
Molecular consequence: splice donor variant.
Genome position (GRCh38, 1-based): chr19:43,527,096, C deleted on the plus strand (G on the coding strand, the reverse complement: ETHE1 is on the minus strand); the first of 2 consecutive C bases (chr19:43,527,096-43,527,097); deleting either gives the same sequence. VCF-style (leftmost placement, unchanged base first): chr19-43527095-AC-A. GRCh37 (hg19) VCF-style: chr19-44031247-AC-A.
Other names: c.81+1del (NM_001320869.2, NM_001320867.2); c.-140+1del (NM_001320868.2).
Identifiers: ClinVar variation 3600294 (VCV003600294.2).

ClinVar aggregate classification (germline): Pathogenic (0 of 4 stars; one submission).

Conditions:
Ethylmalonic encephalopathy (EE). Also called: Syndrome of encephalopathy, petechiae, and ethylmalonic aciduria; EPEMA syndrome; Encephalopathy, petechiae, and ethylmalonic aciduria. Identifiers: Orphanet 51188, MedGen C1865349, MONDO:0011229, OMIM 602473. Disease mechanism: loss of function.

Submission:

Medical Genetics Laboratory, AJA University of Medical Sciences
Classification: Pathogenic for Ethylmalonic encephalopathy. Last evaluated: 2024-02-05. Review status: no assertion criteria provided. Collection method: clinical testing. Allele origin: germline. Inheritance: Autosomal recessive inheritance. Affected: yes. Observed: 1 homozygote.
Comment: The associated phenotype matched the clinical presentation described in OMIM for a synaptic disorder. Furthermore, the variant was confirmed via Sanger sequencing.